The following is an entry in ClinVar:

ClinVar aggregate classification (germline): Pathogenic/Likely pathogenic. Review status: criteria provided, multiple submitters, no conflicts (2 of 4 stars). 3 submissions from 3 submitters: Pathogenic (1); Likely pathogenic (1). 1 of the submissions does not count toward it. Last evaluated 2025-02-14.

Conditions:
Primary ciliary dyskinesia 7. Also called: CILIARY DYSKINESIA, PRIMARY, 7, WITH OR WITHOUT SITUS INVERSUS. Identifiers: Orphanet 244, MedGen C2678473, MONDO:0012748, OMIM 611884.

Allele frequency attached by ClinVar (database versions not stated): gnomAD 0.00006.
gnomAD v4.1: 9 of 152,160 alleles (0.0059%); highest among the groups gnomAD compares: Non-Finnish European, 0.013%; no homozygotes.

Submissions (3):

Broad Center for Mendelian Genomics, Broad Institute of MIT and Harvard
Classification: Pathogenic for Primary ciliary dyskinesia 7. Last evaluated: 2025-02-14. Review status: criteria provided, single submitter. Criteria: ACMG Guidelines, 2015. Collection method: curation. Allele origin: germline. Inheritance: Autosomal recessive inheritance.
Comment: The c.6547-963G>A variant in DNAH11 has been reported in 2 individuals with primary ciliary dyskinesia (Ellingford et al. 2018, PMID: 36178856), and has been identified in 0.013% (9/68038) of European (non-Finnish) chromosomes by the Genome Aggregation Database (gnomAD; dbSNP rs764374746). Although this variant has been seen in the general population in a heterozygous state, its frequency is not high enough to rule out a pathogenic role. This variant has also been reported in ClinVar (Variation ID: 3068449) and has been interpreted as pathogenic by Undiagnosed Diseases Network (NIH). RNAseq analysis performed on affected tissue shows the introduction of a 38 base pair cryptic exon (Ellingford et al. 2018). This variant is located in the 5' splice region. Computational tools do suggest an impact to splicing. However, this information is not predictive enough to determine pathogenicity. Loss of function of the DNAH11 gene is an established disease mechanism in autosomal recessive primary ciliary dyskinesia. In summary, this variant meets criteria to be classified as pathogenic for autosomal recessive primary ciliary dyskinesia. ACMG/AMP Criteria applied: PVS1, PM3_strong (Richards 2015).

New York Genome Center
Classification: Likely pathogenic for Primary ciliary dyskinesia 7. Last evaluated: 2023-07-14. Review status: criteria provided, single submitter. Criteria: NYGC Assertion Criteria 2020. Collection method: clinical testing. Allele origin: inherited. Affected: yes. Observed: 1 variant allele, 1 compound heterozygote.
Comment: The c.6547-963G>A variant identified in the DNAH11 gene is a deep intronic variant within intron 39/81. This variant is found with low frequency in population databases (allele frequency = 8.48e-5; gnomADv2.1.1, gnomADv3.1.2, BRAVO-TOPMed, All of Us) suggesting it is not a common benign variant in the populations represented in those databases. In silico algorithm SpliceAI predicts this variant to lead to a donor gain 1bp downstream of this variant (deltascore=0.67) and an acceptor gain at -36bp (delta score=0.54). This variant is absent from ClinVar, however it has been reported in trans with a canonical splice variant in an individual with Primary Ciliary Dyskinesia [PMID:36178856]. Functional studies performed on this deep intronic variant demonstrate that it leads to the inclusion of a cryptic exon, and is predicted to lead to the introduction of a downstream premature stop codon (p.(Ile2183LysfsTer15)) [PMID:34663891]. Given functional studies demonstrating it leads to an aberrant transcript, its report in an affected individual in the literature in trans with a second variant, and its low frequency in population databases, the c.6547-963G>A variant identified in the DNAH11 gene is reported as Likely Pathogenic.

Undiagnosed Diseases Network, NIH
Classification: Pathogenic for Primary ciliary dyskinesia 7. Last evaluated: 2024-01-23. Review status: no assertion criteria provided. Collection method: clinical testing. Allele origin: paternal. Affected: yes. Observed: 1 variant allele, 1 compound heterozygote. Study: Undiagnosed Diseases Network (NIH), UDN. Not counted in ClinVar's aggregate classification.

NM_001277115.2(DNAH11):c.6547-963G>A

Gene: DNAH11 (dynein axonemal heavy chain 11; plus strand). Cytogenetic location: 7p15.3.
Variant type: single nucleotide variant.
Coding change: c.6547-963G>A on transcript NM_001277115.2 (MANE Select); 963 bases into the intron before coding-DNA position 6547, G replaced by A.
Molecular consequence: intron variant.
Genome position (GRCh38, 1-based): chr7:21,706,736, G>A. VCF-style: chr7-21706736-G-A. GRCh37 (hg19) VCF-style: chr7-21746354-G-A.
Identifiers: ClinVar variation 3068449 (VCV003068449.3), dbSNP rs764374746, ClinGen allele CA155078618.